The following is an entry in ClinVar:

ClinVar aggregate classification (germline): Uncertain significance (1 of 4 stars; one submission).

Submission:

Ambry Genetics
Classification: Uncertain significance. Last evaluated: 2023-06-30. Review status: criteria provided, single submitter. Criteria: Ambry Variant Classification Scheme 2023. Collection method: clinical testing. Allele origin: germline.
Comment: The p.S816N variant (also known as c.2447G>A), located in coding exon 1 of the MLH3 gene, results from a G to A substitution at nucleotide position 2447. The serine at codon 816 is replaced by asparagine, an amino acid with highly similar properties. This amino acid position is conserved. In addition, this alteration is predicted to be tolerated by in silico analysis. Since supporting evidence is limited at this time, the clinical significance of this alteration remains unclear.

NM_001040108.2(MLH3):c.2447G>A (p.Ser816Asn)

Gene: MLH3 (mutL homolog 3; minus strand). Cytogenetic location: 14q24.3.
Variant type: single nucleotide variant.
Coding change: c.2447G>A on transcript NM_001040108.2 (MANE Select); coding-DNA position 2447, G replaced by A.
Protein change: p.Ser816Asn; replaces serine 816 with asparagine.
Molecular consequence: missense variant.
Genome position (GRCh38, 1-based): chr14:75,047,209, C>T on the plus strand (G>A on the coding strand, the complement: MLH3 is on the minus strand). VCF-style: chr14-75047209-C-T. GRCh37 (hg19) VCF-style: chr14-75513912-C-T.
Other names: c.2447G>A, p.Ser816Asn (NM_014381.3); short protein forms S816N.
Identifiers: ClinVar variation 2623482 (VCV002623482.2), dbSNP rs2139562495, ClinGen allele CA390440437.
Genomic context (GRCh38, chr14:75,047,209, plus strand): 5'-TCATCCTTGGAGAATGGAAACTTCTCTGAGTTAAGGATGTGGCTTGCTGGTTGACAACTA[C>T]TATCTGAATCACTATGCTCCATAGTAGTGATTTTACAAACATCAGAGTTCTCTAAGCGGT-3'
Protein context (NP_001035197.1, residues 806-826): ITTMEHSDSD[Ser816Asn]SCQPASHILN